The following is an entry in ClinVar:

NM_005359.6(SMAD4):c.515T>C (p.Leu172Ser)

Gene: SMAD4 (SMAD family member 4; plus strand). Cytogenetic location: 18q21.2.
Variant type: single nucleotide variant.
Coding change: c.515T>C on transcript NM_005359.6 (MANE Select); coding-DNA position 515, T replaced by C.
Protein change: p.Leu172Ser; replaces leucine 172 with serine.
Molecular consequence: missense variant.
Genome position (GRCh38, 1-based): chr18:51,054,841, T>C. VCF-style: chr18-51054841-T-C. GRCh37 (hg19) VCF-style: chr18-48581211-T-C.
Other names: short protein forms L172S.
Identifiers: ClinVar variation 825491 (VCV000825491.4), dbSNP rs1599186851, ClinGen allele CA402460775.

ClinVar aggregate classification (germline): Uncertain significance (1 of 4 stars; one submission).

Conditions:
Hereditary cancer-predisposing syndrome. Also called: Neoplastic Syndromes, Hereditary; Tumor predisposition; Hereditary neoplastic syndrome; Hereditary Cancer Syndrome. Identifiers: Orphanet 140162, MedGen C0027672, MeSH D009386, MONDO:0015356.
Familial thoracic aortic aneurysm and aortic dissection (TAAD). Also called: Thoracic aortic aneurysms and dissections. Identifiers: Orphanet 91387, MedGen C4707243, MONDO:0019625.

gnomAD v4.1: 1 of 1,614,138 alleles (0.000062%); no homozygotes.

Submission:

Ambry Genetics
Classification: Uncertain significance for Hereditary cancer-predisposing syndrome; Familial thoracic aortic aneurysm and aortic dissection. Last evaluated: 2019-10-29. Review status: criteria provided, single submitter. Criteria: Ambry Variant Classification Scheme 2023. Collection method: clinical testing. Allele origin: germline.
Comment: The p.L172S variant (also known as c.515T>C), located in coding exon 4 of the SMAD4 gene, results from a T to C substitution at nucleotide position 515. The leucine at codon 172 is replaced by serine, an amino acid with dissimilar properties. This amino acid position is well conserved in available vertebrate species. In addition, the in silico prediction for this alteration is inconclusive. Since supporting evidence is limited at this time, the clinical significance of this alteration remains unclear.